The following is an entry in ClinVar:

NM_001164508.2(NEB):c.13099G>T (p.Gly4367Ter)

Gene: NEB (nebulin; minus strand). Cytogenetic location: 2q23.3.
Variant type: single nucleotide variant.
Coding change: c.13099G>T on transcript NM_001164508.2 (MANE Select); coding-DNA position 13099, G replaced by T.
Protein change: p.Gly4367Ter; replaces glycine 4367 with a stop codon.
Molecular consequence: nonsense. On other transcripts: intron variant (1).
Genome position (GRCh38, 1-based): chr2:151,603,733, C>A on the plus strand (G>T on the coding strand, the complement: NEB is on the minus strand). VCF-style: chr2-151603733-C-A. GRCh37 (hg19) VCF-style: chr2-152460247-C-A.
Other names: c.13099G>T (NM_001271208.1); c.13099G>T, p.Gly4367Ter (NM_001164507.2, NM_001271208.2); c.11601+6076G>T (NM_004543.5); short protein forms G4367*.
Identifiers: ClinVar variation 1071192 (VCV001071192.12), dbSNP rs1278785558, ClinGen allele CA348772521.

ClinVar aggregate classification (germline): Pathogenic/Likely pathogenic. Review status: criteria provided, multiple submitters, no conflicts (2 of 4 stars). 3 submissions from 3 submitters: Pathogenic (1); Likely pathogenic (2). Last evaluated 2025-10-23.

Conditions:
Arthrogryposis multiplex congenita 6. Identifiers: MedGen C5543431, MONDO:0030281, OMIM 619334.
Nemaline myopathy 2 (NEM2). Also called: Nemaline myopathy 2, autosomal recessive. Identifiers: MedGen C1850569, MONDO:0009725, OMIM 256030.

Submissions (3):

Natera, Inc.
Classification: Likely pathogenic for Nemaline myopathy type 2. Last evaluated: 2025-10-23. Review status: criteria provided, single submitter. Criteria: Natera Variant Classification Schema (03/2026). Collection method: clinical testing. Allele origin: germline.
Comment: The c.13099G>T variant in NEB is a nonsense variant predicted to introduce a stop codon at amino acid 4367. This variant is expected to result in nonsense mediated decay, truncation, or a dysfunctional protein product. This variant is rare in the general population with a frequency below the threshold expected for the associated phenotype(s). Given the available evidence, this variant is classified as Likely Pathogenic.

Baylor Genetics
Classification: Likely pathogenic for Arthrogryposis multiplex congenita 6. Last evaluated: 2024-03-05. Review status: criteria provided, single submitter. Criteria: ACMG Guidelines, 2015. Collection method: clinical testing. Allele origin: unknown.

Labcorp Genetics (formerly Invitae), Labcorp
Classification: Pathogenic for Nemaline myopathy 2. Last evaluated: 2024-01-17. Review status: criteria provided, single submitter. Criteria: Invitae Variant Classification Sherloc (09022015). Collection method: clinical testing. Allele origin: germline.
Comment: This variant occurs in a region of NEB (Exons 82-105) consisting of three highly homologous 8-exon repeat units (exons 82-89, exons 90-97, exons 98-105). Sequence variants in this region can be detected, but this assay cannot determine which of the three repeat units is affected, and zygosity is often ambiguous. All variants in this region are reported relative to the exon 82-89 repeat. This sequence change creates a premature translational stop signal (p.Gly4367*) in the NEB gene. It is expected to result in an absent or disrupted protein product. Loss-of-function variants in NEB are known to be pathogenic (PMID: 25205138). The frequency data for this variant in the population databases (gnomAD) is considered unreliable due to the presence of homologous sequence, such as pseudogenes or paralogs, in the genome. This variant has not been reported in the literature in individuals affected with NEB-related conditions. ClinVar contains an entry for this variant (Variation ID: 1071192). For these reasons, this variant has been classified as Pathogenic.

Literature cited by the submitters: PubMed 25205138 (cited by Labcorp Genetics (formerly Invitae), Labcorp).